The following is an entry in ClinVar:

NM_015978.3(TNNI3K):c.741C>A (p.His247Gln)

Genes: FPGT-TNNI3K (FPGT-TNNI3K readthrough; plus strand), TNNI3K (TNNI3 interacting kinase; plus strand). Cytogenetic location: 1p31.1.
Variant type: single nucleotide variant.
Coding change: c.741C>A on transcript NM_015978.3 (MANE Select); coding-DNA position 741, C replaced by A.
Protein change: p.His247Gln; replaces histidine 247 with glutamine.
Molecular consequence: missense variant.
Genome position (GRCh38, 1-based): chr1:74,342,900, C>A. VCF-style: chr1-74342900-C-A. GRCh37 (hg19) VCF-style: chr1-74808584-C-A.
Other names: c.1044C>A, p.His348Gln (NM_001112808.3, NM_001199327.2); short protein forms H247Q, H348Q.
Identifiers: ClinVar variation 3673227 (VCV003673227.2).
Genomic context (GRCh38, chr1:74,342,900, plus strand): 5'-AGTGAATGCTCAAGATAATGAAGACCATGTCCCACTCCATTTCTGTTCTCGATTTGGACA[C>A]CATGATATAGTTAAGTATCTGCTGCAAAGTGATTTGGAAGTTCAACCTCATGTTGTTAAT-3'
Protein context (NP_057062.1, residues 237-257): VPLHFCSRFG[His247Gln]HDIVKYLLQS

ClinVar aggregate classification (germline): Uncertain significance (1 of 4 stars; one submission).

Submission:

Labcorp Genetics (formerly Invitae), Labcorp
Classification: Uncertain significance. Last evaluated: 2024-04-04. Review status: criteria provided, single submitter. Criteria: Invitae Variant Classification Sherloc (09022015). Collection method: clinical testing. Allele origin: germline.
Comment: This sequence change replaces histidine, which is basic and polar, with glutamine, which is neutral and polar, at codon 247 of the TNNI3K protein (p.His247Gln). This variant is not present in population databases (gnomAD no frequency). This variant has not been reported in the literature in individuals affected with TNNI3K-related conditions. Advanced modeling of protein sequence and biophysical properties (such as structural, functional, and spatial information, amino acid conservation, physicochemical variation, residue mobility, and thermodynamic stability) performed at Invitae indicates that this missense variant is not expected to disrupt TNNI3K protein function with a negative predictive value of 80%. In summary, the available evidence is currently insufficient to determine the role of this variant in disease. Therefore, it has been classified as a Variant of Uncertain Significance.